The following is an entry in ClinVar:

NM_016519.6(AMBN):c.233G>T (p.Gly78Val)

Gene: AMBN (ameloblastin; plus strand). Cytogenetic location: 4q13.3.
Variant type: single nucleotide variant.
Coding change: c.233G>T on transcript NM_016519.6 (MANE Select); coding-DNA position 233, G replaced by T.
Protein change: p.Gly78Val; replaces glycine 78 with valine.
Molecular consequence: missense variant.
Genome position (GRCh38, 1-based): chr4:70,599,585, G>T. VCF-style: chr4-70599585-G-T. GRCh37 (hg19) VCF-style: chr4-71465302-G-T.
Other names: short protein forms G78V.
Identifiers: ClinVar variation 3053002 (VCV003053002.2), dbSNP rs145763811, ClinGen allele CA2951273.
Genomic context (GRCh38, chr4:70,599,585, plus strand): 5'-CATGTCTTTAGTATTCTAGATACGGCTTTGGAAAATCATTTAATTCTTTGTGGATGCACG[G>T]TCTCCTCCCACCACATTCCTCTCTTCCATGGATGAGGCCAAGAGAACATGAAACTCAACA-3'
Protein context (NP_057603.1, residues 68-88): GKSFNSLWMH[Gly78Val]LLPPHSSLPW

ClinVar aggregate classification (germline): Benign (0 of 4 stars; one submission).

Conditions:
AMBN-related disorder. Also called: AMBN-related condition.

Allele frequency attached by ClinVar (database versions not stated): ExAC 0.00109; ESP Exome Variant Server 0.00361; gnomAD 0.00376; TOPMed 0.00450; 1000 Genomes Project 0.00499; 1000 Genomes Project 30x 0.00547.
gnomAD v4.1: 1,072 of 1,613,588 alleles (0.066%); highest among the groups gnomAD compares: African/African-American, 1.2%; 7 homozygotes.

Submission:

PreventionGenetics, part of Exact Sciences
Classification: Benign for AMBN-related condition. Last evaluated: 2019-08-28. Review status: no assertion criteria provided. Collection method: clinical testing. Allele origin: germline.
Comment: This variant is classified as benign based on ACMG/AMP sequence variant interpretation guidelines (Richards et al. 2015 PMID: 25741868, with internal and published modifications).